The following is an entry in ClinVar:

ClinVar aggregate classification (germline): Uncertain significance. Review status: criteria provided, multiple submitters, no conflicts (2 of 4 stars). 2 submissions from 2 submitters: Uncertain significance (2). Last evaluated 2025-10-25.

Conditions:
Hereditary cancer-predisposing syndrome. Also called: Neoplastic Syndromes, Hereditary; Tumor predisposition; Hereditary neoplastic syndrome; Hereditary Cancer Syndrome. Identifiers: Orphanet 140162, MedGen C0027672, MeSH D009386, MONDO:0015356.
Neuroblastoma, susceptibility to, 3. Also called: ALK-Related Neuroblastic Tumor Susceptibility. Identifiers: Orphanet 635, MedGen C2751681, MONDO:0013083, OMIM 613014.

gnomAD v4.1: 2 of 1,613,924 alleles (0.00012%); highest among the groups gnomAD compares: East Asian, 0.0045%; no homozygotes.

Submissions (2):

Labcorp Genetics (formerly Invitae), Labcorp
Classification: Uncertain significance for Neuroblastoma, susceptibility to, 3. Last evaluated: 2025-10-25. Review status: criteria provided, single submitter. Criteria: Invitae Variant Classification Sherloc (09022015). Collection method: clinical testing. Allele origin: germline.
Comment: This sequence change replaces glycine, which is neutral and non-polar, with serine, which is neutral and polar, at codon 879 of the ALK protein (p.Gly879Ser). This variant is present in population databases (rs573634420, gnomAD 0.006%). This variant has not been reported in the literature in individuals affected with ALK-related conditions. ClinVar contains an entry for this variant (Variation ID: 3854070). An algorithm developed to predict the effect of missense changes on protein structure and function (PolyPhen-2) suggests that this variant is likely to be disruptive. Algorithms developed to predict the effect of sequence changes on RNA splicing suggest that this variant may disrupt the consensus splice site. In summary, the available evidence is currently insufficient to determine the role of this variant in disease. Therefore, it has been classified as a Variant of Uncertain Significance.

Ambry Genetics
Classification: Uncertain significance for Hereditary cancer-predisposing syndrome. Last evaluated: 2024-12-22. Review status: criteria provided, single submitter. Criteria: Ambry Variant Classification Scheme 2023. Collection method: clinical testing. Allele origin: germline.
Comment: The p.G879S variant (also known as c.2635G>A), located in coding exon 16 of the ALK gene, results from a G to A substitution at nucleotide position 2635. The glycine at codon 879 is replaced by serine, an amino acid with similar properties. This amino acid position is conserved. In addition, the in silico prediction for this alteration is inconclusive. Based on the available evidence, the clinical significance of this variant remains unclear.

NM_004304.5(ALK):c.2635G>A (p.Gly879Ser)

Gene: ALK (ALK receptor tyrosine kinase; minus strand). Cytogenetic location: 2p23.2.
Variant type: single nucleotide variant.
Coding change: c.2635G>A on transcript NM_004304.5 (MANE Select); coding-DNA position 2635, G replaced by A.
Protein change: p.Gly879Ser; replaces glycine 879 with serine.
Molecular consequence: missense variant.
Genome position (GRCh38, 1-based): chr2:29,229,064, C>T on the plus strand (G>A on the coding strand, the complement: ALK is on the minus strand). VCF-style: chr2-29229064-C-T. GRCh37 (hg19) VCF-style: chr2-29451930-C-T.
Other names: short protein forms G879S.
Identifiers: ClinVar variation 3854070 (VCV003854070.2).